The following is an entry in ClinVar:

ClinVar aggregate classification (germline): Uncertain significance (1 of 4 stars; one submission).

Conditions:
Hereditary pulmonary alveolar proteinosis. Also called: Pulmonary surfactant metabolism dysfunction. Identifiers: Orphanet 264675, MedGen C3711368, MONDO:0012580.

Submission:

Ambry Genetics
Classification: Uncertain significance for Hereditary pulmonary alveolar proteinosis. Last evaluated: 2015-06-01. Review status: criteria provided, single submitter. Criteria: Ambry Variant Classification Scheme 2023. Collection method: clinical testing. Allele origin: germline.
Comment: The p.D1358G variant (also known as c.4073A>G), located in coding exon 24 of the ABCA3 gene, results from an A to G substitution at nucleotide position 4073. The aspartic acid at codon 1358 is replaced by glycine, an amino acid with some similar properties. This variant was not reported in population based cohorts in the following databases: Database of Single Nucleotide Polymorphisms (dbSNP), NHLBI Exome Sequencing Project (ESP), and 1000 Genomes Project. In the ESP, this variant was not observed in 6498 samples (12996 alleles) with coverage at this position. This amino acid position is highly conserved in available vertebrate species. In addition, this alteration is predicted to be deleterious by in silico analysis. Since supporting evidence is limited at this time, the clinical significance of this variant remains unclear.

NM_001089.3(ABCA3):c.4073A>G (p.Asp1358Gly)

Gene: ABCA3 (ATP binding cassette subfamily A member 3; minus strand). Cytogenetic location: 16p13.3.
Variant type: single nucleotide variant.
Coding change: c.4073A>G on transcript NM_001089.3 (MANE Select); coding-DNA position 4073, A replaced by G.
Protein change: p.Asp1358Gly; replaces aspartic acid 1358 with glycine.
Molecular consequence: missense variant.
Genome position (GRCh38, 1-based): chr16:2,281,472, T>C on the plus strand (A>G on the coding strand, the complement: ABCA3 is on the minus strand). VCF-style: chr16-2281472-T-C. GRCh37 (hg19) VCF-style: chr16-2331473-T-C.
Other names: short protein forms D1358G.
Identifiers: ClinVar variation 1737568 (VCV001737568.2), dbSNP rs2505616664, ClinGen allele CA394310460.